The following is an entry in ClinVar:

NM_032802.4(SPPL2A):c.338T>C (p.Leu113Ser)

Gene: SPPL2A (signal peptide peptidase like 2A; minus strand). Cytogenetic location: 15q21.2.
Variant type: single nucleotide variant.
Coding change: c.338T>C on transcript NM_032802.4 (MANE Select); coding-DNA position 338, T replaced by C.
Protein change: p.Leu113Ser; replaces leucine 113 with serine.
Molecular consequence: missense variant.
Genome position (GRCh38, 1-based): chr15:50,748,710, A>G on the plus strand (T>C on the coding strand, the complement: SPPL2A is on the minus strand). VCF-style: chr15-50748710-A-G. GRCh37 (hg19) VCF-style: chr15-51040907-A-G.
Other names: short protein forms L113S.
Identifiers: ClinVar variation 2106190 (VCV002106190.4), dbSNP rs2542840750, ClinGen allele CA392414664.
Genomic context (GRCh38, chr15:50,748,710, plus strand): 5'-TGAACTCAAAATAAGATATGATTGTTTTTATAACTTACTAGGACACTGTTATTGACAACT[A>G]ACATTGCTTCAGCACCTCCTTTCTGTGCAATTCTGGCTTTTTCAAGAAAATGGCAGCTTC-3'
Protein context (NP_116191.2, residues 103-123): IAQKGGAEAM[Leu113Ser]VVNNSVLFPP

ClinVar aggregate classification (germline): Uncertain significance (1 of 4 stars; one submission).

Submission:

Labcorp Genetics (formerly Invitae), Labcorp
Classification: Uncertain significance. Last evaluated: 2023-03-30. Review status: criteria provided, single submitter. Criteria: Invitae Variant Classification Sherloc (09022015). Collection method: clinical testing. Allele origin: germline.
Comment: In summary, the available evidence is currently insufficient to determine the role of this variant in disease. Therefore, it has been classified as a Variant of Uncertain Significance. An algorithm developed to predict the effect of missense changes on protein structure and function (PolyPhen-2) suggests that this variant is likely to be disruptive. ClinVar contains an entry for this variant (Variation ID: 2106190). This variant has not been reported in the literature in individuals affected with SPPL2A-related conditions. This variant is not present in population databases (gnomAD no frequency). This sequence change replaces leucine, which is neutral and non-polar, with serine, which is neutral and polar, at codon 113 of the SPPL2A protein (p.Leu113Ser).